The following is an entry in ClinVar:

ClinVar aggregate classification (germline): Benign/Likely benign. Review status: criteria provided, multiple submitters, no conflicts (2 of 4 stars). 5 submissions from 5 submitters: Benign (2); Likely benign (2). 1 of the submissions does not count toward it. Last evaluated 2026-04-20.

Conditions:
C1S-related disorder. Also called: C1S-related condition.

Allele frequency attached by ClinVar (database versions not stated): gnomAD exomes 0.00024 and 0.00071; ExAC 0.00086; ESP Exome Variant Server 0.00231; gnomAD 0.00238 and 0.00259; 1000 Genomes Project 30x 0.00359; TOPMed 0.00270; 1000 Genomes Project 0.00300.
gnomAD v4.1: 707 of 1,528,876 alleles (0.046%); highest among the groups gnomAD compares: African/African-American, 0.86%; 5 homozygotes.

Submissions (5):

Women's Health and Genetics/Laboratory Corporation of America, LabCorp
Classification: Likely benign. Last evaluated: 2026-04-20. Review status: criteria provided, single submitter. Criteria: LabCorp Variant Classification Summary - May 2015. Collection method: clinical testing. Allele origin: germline.

Labcorp Genetics (formerly Invitae), Labcorp
Classification: Benign. Last evaluated: 2026-01-27. Review status: criteria provided, single submitter. Criteria: Invitae Variant Classification Sherloc (09022015). Collection method: clinical testing. Allele origin: germline.

Mayo Clinic Laboratories, Mayo Clinic
Classification: Benign. Last evaluated: 2024-10-21. Review status: criteria provided, single submitter. Criteria: ACMG Guidelines, 2015. Collection method: clinical testing. Allele origin: germline. Observed: 1 variant allele.
Comment: BS1, BS2, BP4, BP7

Blueprint Genetics
Classification: Likely benign. Last evaluated: 2024-05-09. Review status: criteria provided, single submitter. Criteria: ACMG Guidelines, 2015. Collection method: clinical testing. Allele origin: germline.

PreventionGenetics, part of Exact Sciences
Classification: Benign for C1S-related condition. Last evaluated: 2024-01-29. Review status: no assertion criteria provided. Collection method: clinical testing. Allele origin: germline. Not counted in ClinVar's aggregate classification.
Comment: This variant is classified as benign based on ACMG/AMP sequence variant interpretation guidelines (Richards et al. 2015 PMID: 25741868, with internal and published modifications).

NM_001734.5(C1S):c.1066+10T>C

Gene: C1S (complement C1s; plus strand). Cytogenetic location: 12p13.31.
Variant type: single nucleotide variant.
Coding change: c.1066+10T>C on transcript NM_001734.5 (MANE Select); 10 bases into the intron after coding-DNA position 1066, T replaced by C.
Molecular consequence: intron variant.
Genome position (GRCh38, 1-based): chr12:7,067,127, T>C. VCF-style: chr12-7067127-T-C. GRCh37 (hg19) VCF-style: chr12-7174431-T-C.
Other names: p.?; c.1066+10T>C (NM_201442.4, NM_201442.3); c.565+10T>C (NM_001346850.2).
Identifiers: ClinVar variation 722140 (VCV000722140.16), dbSNP rs147394609, ClinGen allele CA6423658.
Genomic context (GRCh38, chr12:7,067,127, plus strand): 5'-CGACTTGTCAAAGCAATGGAAAGTGGAGTAATTCCAAACTGAAATGTCAACGTATGTGTC[T>C]CTTCAAAGTGGAAGTCTTTCTTTTTCTCTCAGAGAGAATGGAAAGATCAGCACATCAAAA-3'